The following is an entry in ClinVar:

ClinVar aggregate classification (germline): Uncertain significance (1 of 4 stars; one submission).

Conditions:
Cryopyrin associated periodic syndrome (CAPS). Identifiers: Orphanet 208650, MedGen C2316212, MONDO:0016168.

gnomAD v4.1: 1 of 1,614,146 alleles (0.000062%); highest among the groups gnomAD compares: African/African-American, 0.0013%; no homozygotes.

Submission:

Labcorp Genetics (formerly Invitae), Labcorp
Classification: Uncertain significance for Cryopyrin associated periodic syndrome. Last evaluated: 2024-09-10. Review status: criteria provided, single submitter. Criteria: Invitae Variant Classification Sherloc (09022015). Collection method: clinical testing. Allele origin: germline.
Comment: This sequence change replaces glycine, which is neutral and non-polar, with glutamic acid, which is acidic and polar, at codon 548 of the NLRP3 protein (p.Gly548Glu). This variant is not present in population databases (gnomAD no frequency). This variant has not been reported in the literature in individuals affected with NLRP3-related conditions. Invitae Evidence Modeling of protein sequence and biophysical properties (such as structural, functional, and spatial information, amino acid conservation, physicochemical variation, residue mobility, and thermodynamic stability) has been performed for this missense variant. However, the output from this modeling did not meet the statistical confidence thresholds required to predict the impact of this variant on NLRP3 protein function. In summary, the available evidence is currently insufficient to determine the role of this variant in disease. Therefore, it has been classified as a Variant of Uncertain Significance.

NM_001243133.2(NLRP3):c.1637G>A (p.Gly546Glu)

Gene: NLRP3 (NLR family pyrin domain containing 3; plus strand). Cytogenetic location: 1q44.
Variant type: single nucleotide variant.
Coding change: c.1637G>A on transcript NM_001243133.2 (MANE Select); coding-DNA position 1637, G replaced by A.
Protein change: p.Gly546Glu; replaces glycine 546 with glutamic acid.
Molecular consequence: missense variant.
Genome position (GRCh38, 1-based): chr1:247,425,086, G>A. VCF-style: chr1-247425086-G-A. GRCh37 (hg19) VCF-style: chr1-247588388-G-A.
Other names: c.1637G>A, p.Gly546Glu (NM_001079821.3, NM_001127461.3, NM_001127462.3 and 1 more transcripts); c.1643G>A, p.Gly548Glu (NM_004895.5); short protein forms G546E, G548E.
Identifiers: ClinVar variation 3669533 (VCV003669533.2).